The following is an entry in ClinVar:

NM_000059.4(BRCA2):c.317-1215A>T

Gene: BRCA2 (BRCA2 DNA repair associated; plus strand). Cytogenetic location: 13q13.1.
Variant type: single nucleotide variant.
Coding change: c.317-1215A>T on transcript NM_000059.4 (MANE Select); 1215 bases into the intron before coding-DNA position 317, A replaced by T.
Molecular consequence: intron variant.
Genome position (GRCh38, 1-based): chr13:32,323,861, A>T. VCF-style: chr13-32323861-A-T. GRCh37 (hg19) VCF-style: chr13-32897998-A-T.
Identifiers: ClinVar variation 264870 (VCV000264870.1), dbSNP rs575762451, ClinGen allele CA10588073.
Genomic context (GRCh38, chr13:32,323,861, plus strand): 5'-TGTAGTTACCATCAACTATTGGAACCATATGAGTACTTAATGCCCTGGAGAGTCAAATAT[A>T]ATCTACTCTAATACAGAAAATAGAAATATTGAAAAACTGTAAATTGGATTTCATATTGTT-3'

ClinVar aggregate classification (germline): Benign (3 of 4 stars; one submission).

Conditions:
Breast-ovarian cancer, familial, susceptibility to, 2 (BROVCA2). Also called: BRCA2 Hereditary Breast and Ovarian Cancer. Identifiers: Orphanet 145, MedGen C2675520, MONDO:0012933, OMIM 612555. Disease mechanism: loss of function.

Allele frequency attached by ClinVar (database versions not stated): gnomAD 0.00016 and 0.00046; TOPMed 0.00015; 1000 Genomes Project 30x 0.00172; 1000 Genomes Project 0.00200.
gnomAD v4.1: 68 of 152,356 alleles (0.045%); highest among the groups gnomAD compares: South Asian, 0.95%; 1 homozygote.

Submission:

Evidence-based Network for the Interpretation of Germline Mutant Alleles (ENIGMA)
Classification: Benign for Breast-ovarian cancer, familial, susceptibility to, 2. Last evaluated: 2016-09-28. Review status: reviewed by expert panel. Criteria: ENIGMA BRCA1/2 Classification Criteria (2015). Collection method: curation. Allele origin: germline.
Comment: Class 1 not pathogenic based on frequency >1% in an outbred sampleset. Frequency 0.0102 (South Asian), derived from 1000 genomes (2013-05-02).